The following is an entry in ClinVar:

NM_021926.4(ALX4):c.1086G>A (p.Thr362=)

Gene: ALX4 (ALX homeobox 4; minus strand). Cytogenetic location: 11p11.2.
Variant type: single nucleotide variant.
Coding change: c.1086G>A on transcript NM_021926.4 (MANE Select); coding-DNA position 1086, G replaced by A.
Protein change: p.Thr362=; no amino-acid change (threonine 362 retained).
Molecular consequence: synonymous variant.
Genome position (GRCh38, 1-based): chr11:44,265,004, C>T on the plus strand (G>A on the coding strand, the complement: ALX4 is on the minus strand). VCF-style: chr11-44265004-C-T. GRCh37 (hg19) VCF-style: chr11-44286554-C-T.
Other names: c.1086G>A (NM_021926.3).
Identifiers: ClinVar variation 2977219 (VCV002977219.5), dbSNP rs201245023, ClinGen allele CA5955532.
Genomic context (GRCh38, chr11:44,265,004, plus strand): 5'-GAGCTCGTAGCCATTGAGGCCTGGGCTGAGGCTGGCTGCTCCAAACAGGCTGCCCATGTG[C>T]GTCTGGCCCACGTGACTGCCAGCCCCAGACACACTCAGGAAGTCGGTGACGCTGCTGGCC-3'
Protein context (NP_068745.2, residues 352-372): VSGAGSHVGQ[Thr362=]HMGSLFGAAS

ClinVar aggregate classification (germline): Likely benign. Review status: criteria provided, single submitter (1 of 4 stars). 2 submissions from 2 submitters: Likely benign (1). 1 of the submissions does not count toward it. Last evaluated 2025-02-03.

Conditions:
ALX4-related disorder. Also called: ALX4-related condition.

Allele frequency attached by ClinVar (database versions not stated): ESP Exome Variant Server 0.00008.
gnomAD v4.1: 112 of 1,612,960 alleles (0.0069%); highest among the groups gnomAD compares: Non-Finnish European, 0.0092%; no homozygotes.

Submissions (2):

Labcorp Genetics (formerly Invitae), Labcorp
Classification: Likely benign. Last evaluated: 2025-02-03. Review status: criteria provided, single submitter. Criteria: Invitae Variant Classification Sherloc (09022015). Collection method: clinical testing. Allele origin: germline.

PreventionGenetics, part of Exact Sciences
Classification: Likely benign for ALX4-related condition. Last evaluated: 2019-06-10. Review status: no assertion criteria provided. Collection method: clinical testing. Allele origin: germline. Not counted in ClinVar's aggregate classification.
Comment: This variant is classified as likely benign based on ACMG/AMP sequence variant interpretation guidelines (Richards et al. 2015 PMID: 25741868, with internal and published modifications).